The following is an entry in ClinVar:

NM_020971.3(SPTBN4):c.4630G>T (p.Gly1544Cys)

Gene: SPTBN4 (spectrin beta, non-erythrocytic 4; plus strand). Cytogenetic location: 19q13.2.
Variant type: single nucleotide variant.
Coding change: c.4630G>T on transcript NM_020971.3 (MANE Select); coding-DNA position 4630, G replaced by T.
Protein change: p.Gly1544Cys; replaces glycine 1544 with cysteine.
Molecular consequence: missense variant.
Genome position (GRCh38, 1-based): chr19:40,550,283, G>T. VCF-style: chr19-40550283-G-T. GRCh37 (hg19) VCF-style: chr19-41056189-G-T.
Other names: c.658G>T, p.Gly220Cys (NM_025213.3); short protein forms G1544C, G220C.
Identifiers: ClinVar variation 5020800 (VCV005020800.1).

ClinVar aggregate classification (germline): Uncertain significance (1 of 4 stars; one submission).

Submission:

Dasa
Classification: Uncertain significance. Last evaluated: 2025-11-12. Review status: criteria provided, single submitter. Criteria: DASA Assertion Criteria. Collection method: clinical testing. Allele origin: germline.
Comment: NM_020971.3(SPTBN4):c.4630G>T (p.Gly1544Cys) is a missense variant that results in the substitution of glycine with cysteine. This variant is rare in population databases. Computational prediction algorithms are consistent with a deleterious effect. The currently available literature and clinical evidence are not sufficient to establish a definitive association between this variant and the reported condition. Therefore, this variant is classified as a variant of uncertain significance.